The following is an entry in ClinVar:

NM_002890.3(RASA1):c.2365C>T (p.Arg789Ter)

Genes: CCNH (cyclin H; minus strand), RASA1 (RAS p21 protein activator 1; plus strand). Cytogenetic location: 5q14.3.
Variant type: single nucleotide variant.
Coding change: c.2365C>T on transcript NM_002890.3 (MANE Select); coding-DNA position 2365, C replaced by T.
Protein change: p.Arg789Ter; replaces arginine 789 with a stop codon.
Molecular consequence: nonsense. On other transcripts: intron variant (1).
Genome position (GRCh38, 1-based): chr5:87,378,416, C>T. VCF-style: chr5-87378416-C-T. GRCh37 (hg19) VCF-style: chr5-86674233-C-T.
Other names: c.1834C>T, p.Arg612Ter (NM_022650.3); c.933+16628G>A (NM_001364075.2); short protein forms R789*, R612*.
Identifiers: ClinVar variation 620150 (VCV000620150.15), dbSNP rs1463885690, ClinGen allele CA360382040.
Genomic context (GRCh38, chr5:87,378,416, plus strand): 5'-GTCCTTTACAAATAATCTTCTAATGTAAATATTTGTGTAGATGAAGCCACTACCCTATTT[C>T]GAGCCACAACACTTGCAAGCACCTTGATGGAGCAGTATATGAAAGCCACTGCTACACAGT-3'

ClinVar aggregate classification (germline): Pathogenic. Review status: criteria provided, multiple submitters, no conflicts (2 of 4 stars). 5 submissions from 5 submitters: Pathogenic (4). 1 of the submissions does not count toward it. Last evaluated 2025-11-07.

Conditions:
RASA1-related disorder. Also called: RASA1-related condition.
Capillary malformation-arteriovenous malformation syndrome. Also called: Capillary malformation-arteriovenous malformation. Identifiers: Orphanet 137667, MedGen C1842180, MONDO:0012016.
Vascular malformation. Also called: Vascular malformations. Identifiers: MedGen C0158570, MONDO:0024291.

Allele frequency attached by ClinVar (database versions not stated): gnomAD 0.00001; TOPMed 0.00001; gnomAD exomes below 0.00001.
gnomAD v4.1: 2 of 1,612,502 alleles (0.00012%); highest among the groups gnomAD compares: South Asian, 0.0011%; no homozygotes.

Submissions (5):

GeneDx
Classification: Pathogenic. Last evaluated: 2025-11-07. Review status: criteria provided, single submitter. Criteria: GeneDx Variant Classification Process June 2021. Collection method: clinical testing. Allele origin: germline. Affected: yes.
Comment: Nonsense variant predicted to result in protein truncation or nonsense mediated decay in a gene for which loss of function is a known mechanism of disease; Not observed at significant frequency in large population cohorts (gnomAD); This variant is associated with the following publications: (PMID: 18446851, 24038909, 29891884, 25525159, 33144682, 35238086)

Labcorp Genetics (formerly Invitae), Labcorp
Classification: Pathogenic for Capillary malformation-arteriovenous malformation syndrome. Last evaluated: 2024-04-08. Review status: criteria provided, single submitter. Criteria: Invitae Variant Classification Sherloc (09022015). Collection method: clinical testing. Allele origin: germline.
Comment: This sequence change creates a premature translational stop signal (p.Arg789*) in the RASA1 gene. It is expected to result in an absent or disrupted protein product. Loss-of-function variants in RASA1 are known to be pathogenic (PMID: 24038909). This variant is not present in population databases (gnomAD no frequency). This premature translational stop signal has been observed in individual(s) with RASA1-related conditions (PMID: 18446851, 29891884). ClinVar contains an entry for this variant (Variation ID: 620150). For these reasons, this variant has been classified as Pathogenic.

Clinical Genomics Laboratory, Washington University in St. Louis
Classification: Pathogenic for Vascular malformation. Last evaluated: 2023-09-06. Review status: criteria provided, single submitter. Criteria: ACMG Guidelines, 2015. Collection method: clinical testing. Allele origin: somatic. Affected: yes.
Comment: The RASA1 c.2365C>T (p.Arg789Ter) variant was identified at an allelic fraction consistent with somatic origin. This variant has been reported in multiple individuals with vascular malformations (Revencu N et al., PMID: 24038909; Wooderchak-Donahue WL et al., PMID: 29891884; Revencu N et al., PMID: 18446851; Klee EW et al., PMID: 33144682). This variant has been reported in the ClinVar database as a germline pathogenic variant by two submitters (ClinVar ID: 620150) and in multiple cases in the cancer database CbioPortal. This variant is rare in the general population (gnomAD v.3.1.2), indicating that it is not a common variant. The RASA1 c.2365C>T (p.Arg789Ter) variant causes a premature truncation codon, which is predicted to result in nonsense-mediated decay, and loss of function is the known disease mechanism (Revencu N et al., PMID: 24038909). Based on an internally-developed protocol informed by the ACMG/AMP guidelines (Richards S et al., PMID: 25741868) and gene-specific practices from the ClinGen Criteria Specification Registry, the RASA1 c.2365C>T (p.Arg789Ter) variant is classified as pathogenic.

Blueprint Genetics
Classification: Pathogenic for RASA1-related disorders. Last evaluated: 2022-12-20. Review status: criteria provided, single submitter. Criteria: ACMG Guidelines, 2015. Collection method: clinical testing. Allele origin: germline. Affected: yes. Observed: 3 variant alleles.

PreventionGenetics, part of Exact Sciences
Classification: Pathogenic for RASA1-related condition. Last evaluated: 2024-04-09. Review status: no assertion criteria provided. Collection method: clinical testing. Allele origin: germline. Not counted in ClinVar's aggregate classification.
Comment: The RASA1 c.2365C>T variant is predicted to result in premature protein termination (p.Arg789*). This variant was reported in multiple individual with capillary malformation-arteriovenous malformation (Revencu et al. 2008. PubMed ID: 18446851; Wooderchak-Donahue et al. 2018. PubMed ID: 29891884; Revencu et al. 2013. PubMed ID: 24038909). This variant has not been reported in a large population database, indicating this variant is rare. Nonsense variants in RASA1 are expected to be pathogenic. This variant is interpreted as pathogenic.

Literature cited by the submitters: PubMed 24038909 (cited by Labcorp Genetics (formerly Invitae), Labcorp); PubMed 18446851 (cited by Labcorp Genetics (formerly Invitae), Labcorp); PubMed 29891884 (cited by Labcorp Genetics (formerly Invitae), Labcorp).